The following is an entry in ClinVar:

ClinVar aggregate classification (germline): Pathogenic (1 of 4 stars; one submission).

Conditions:
Familial cancer of breast. Also called: BREAST CANCER, FAMILIAL; Hereditary breast cancer; hereditary breast carcinoma. Identifiers: Orphanet 227535, MedGen C0346153, MONDO:0016419, OMIM 114480. Disease mechanism: loss of function.

Submission:

Myriad Genetics, Inc.
Classification: Pathogenic for Familial cancer of breast. Last evaluated: 2026-08-11. Review status: criteria provided, single submitter. Criteria: Myriad Autosomal Dominant, Autosomal Recessive and X-Linked Classification Criteria (2023). Collection method: clinical testing. Allele origin: unknown.
Comment: This variant is considered pathogenic. This variant creates a termination codon and is predicted to result in premature protein truncation.

NM_007194.4(CHEK2):c.693T>A (p.Cys231Ter)

Gene: CHEK2 (checkpoint kinase 2; minus strand). Cytogenetic location: 22q12.1.
Variant type: single nucleotide variant.
Coding change: c.693T>A on transcript NM_007194.4 (MANE Select); coding-DNA position 693, T replaced by A.
Protein change: p.Cys231Ter; replaces cysteine 231 with a stop codon.
Molecular consequence: nonsense.
Genome position (GRCh38, 1-based): chr22:28,712,008, A>T on the plus strand (T>A on the coding strand, the complement: CHEK2 is on the minus strand). VCF-style: chr22-28712008-A-T. GRCh37 (hg19) VCF-style: chr22-29107996-A-T.
Other names: c.822T>A, p.Cys274Ter (NM_001005735.3, NM_001438294.1); c.30T>A, p.Cys10Ter (NM_001257387.3, NM_001437942.1); c.492T>A, p.Cys164Ter (NM_001349956.3); c.786T>A, p.Cys262Ter (NM_001438293.1, NM_001438295.1); c.693T>A, p.Cys231Ter (NM_145862.3); short protein forms C10*, C164*, C231*, C262*, C274*.
Identifiers: ClinVar variation 5042072 (VCV005042072.1).